The following is an entry in ClinVar:

NM_007294.4(BRCA1):c.1108G>C (p.Val370Leu)

Gene: BRCA1 (BRCA1 DNA repair associated; minus strand). Cytogenetic location: 17q21.31.
Variant type: single nucleotide variant.
Coding change: c.1108G>C on transcript NM_007294.4 (MANE Select); coding-DNA position 1108, G replaced by C.
Protein change: p.Val370Leu; replaces valine 370 with leucine.
Molecular consequence: missense variant. On other transcripts: intron variant (137).
Genome position (GRCh38, 1-based): chr17:43,094,423, C>G on the plus strand (G>C on the coding strand, the complement: BRCA1 is on the minus strand). VCF-style: chr17-43094423-C-G. GRCh37 (hg19) VCF-style: chr17-41246440-C-G.
Other names: c.895G>C, p.Val299Leu (NM_001407571.1, NM_001407853.1, NM_001407895.1 and 9 more transcripts); c.1108G>C, p.Val370Leu (NM_001407581.1, NM_001407582.1, NM_001407583.1 and 30 more transcripts); c.1105G>C, p.Val369Leu (NM_001407587.1, NM_001407590.1, NM_001407591.1 and 22 more transcripts); c.1099G>C, p.Val367Leu (NM_001407646.1, NM_001407647.1); c.985G>C, p.Val329Leu (NM_001407648.1, NM_001407664.1, NM_001407665.1 and 19 more transcripts); c.982G>C, p.Val328Leu (NM_001407649.1, NM_001407670.1, NM_001407671.1 and 11 more transcripts); c.1030G>C, p.Val344Leu (NM_001407653.1, NM_001407654.1, NM_001407655.1 and 4 more transcripts); c.1027G>C, p.Val343Leu (NM_001407659.1, NM_001407660.1, NM_001407661.1 and 1 more transcripts); and 40 more; short protein forms V370L, V323L, V322L, V329L, V202L, V259L, V302L, V303L.
Identifiers: ClinVar variation 628528 (VCV000628528.13), dbSNP rs1567800850, ClinGen allele CA10599841.

ClinVar aggregate classification (germline): Conflicting classifications of pathogenicity. Review status: criteria provided, conflicting classifications (1 of 4 stars). 5 submissions from 5 submitters: Uncertain significance (3); Likely benign (2). Last evaluated 2025-06-09.

Conditions:
Hereditary cancer-predisposing syndrome. Also called: Neoplastic Syndromes, Hereditary; Tumor predisposition; Hereditary neoplastic syndrome; Hereditary Cancer Syndrome. Identifiers: Orphanet 140162, MedGen C0027672, MeSH D009386, MONDO:0015356.
Hereditary breast ovarian cancer syndrome. Also called: Hereditary breast and ovarian cancer syndrome; Hereditary breast and ovarian cancer; Hereditary breast and ovarian cancer syndrome (HBOC); Breast and ovarian cancer; Hereditary breast and/or ovarian cancer syndrome; BRCA1- and BRCA2-Associated Hereditary Breast and Ovarian Cancer. Identifiers: Orphanet 145, MedGen C0677776, MeSH D061325, MONDO:0003582. Disease mechanism: loss of function.

gnomAD v4.1: 1 of 1,613,852 alleles (0.000062%); highest among the groups gnomAD compares: Non-Finnish European, 0.000085%; no homozygotes.

Submissions (5):

Labcorp Genetics (formerly Invitae), Labcorp
Classification: Uncertain significance for Hereditary breast ovarian cancer syndrome. Last evaluated: 2025-06-09. Review status: criteria provided, single submitter. Criteria: Invitae Variant Classification Sherloc (09022015). Collection method: clinical testing. Allele origin: germline.
Comment: This sequence change replaces valine, which is neutral and non-polar, with leucine, which is neutral and non-polar, at codon 370 of the BRCA1 protein (p.Val370Leu). This variant is not present in population databases (gnomAD no frequency). This variant has not been reported in the literature in individuals affected with BRCA1-related conditions. ClinVar contains an entry for this variant (Variation ID: 628528). Invitae Evidence Modeling of protein sequence and biophysical properties (such as structural, functional, and spatial information, amino acid conservation, physicochemical variation, residue mobility, and thermodynamic stability) indicates that this missense variant is not expected to disrupt BRCA1 protein function with a negative predictive value of 80%. In summary, the available evidence is currently insufficient to determine the role of this variant in disease. Therefore, it has been classified as a Variant of Uncertain Significance.

Center for Genomic Medicine, Rigshospitalet, Copenhagen University Hospital
Classification: Likely benign. Last evaluated: 2025-03-04. Review status: criteria provided, single submitter. Criteria: ACMG Guidelines, 2015. Collection method: clinical testing. Allele origin: germline.

Ambry Genetics
Classification: Uncertain significance for Hereditary cancer-predisposing syndrome. Last evaluated: 2024-08-04. Review status: criteria provided, single submitter. Criteria: Ambry Variant Classification Scheme 2023. Collection method: clinical testing. Allele origin: germline.
Comment: The p.V370L variant (also known as c.1108G>C), located in coding exon 9 of the BRCA1 gene, results from a G to C substitution at nucleotide position 1108. The valine at codon 370 is replaced by leucine, an amino acid with highly similar properties. This amino acid position is conserved. In addition, the in silico prediction for this alteration is inconclusive. Based on the available evidence, the clinical significance of this variant remains unclear.

University of Washington Department of Laboratory Medicine, University of Washington
Classification: Likely benign for Hereditary cancer-predisposing syndrome. Last evaluated: 2023-03-23. Review status: criteria provided, single submitter. Criteria: Dines et al. (Genet Med. 2020). Collection method: curation. Allele origin: germline.
Comment: Missense variant in a coldspot region where missense variants are very unlikely to be pathogenic (PMID:31911673).

BRCA1 coldspot (exon 11 using historical exon numbering). Reclassification based on statistical prior probability

Color Diagnostics, LLC DBA Color Health
Classification: Uncertain significance for Hereditary cancer-predisposing syndrome. Last evaluated: 2019-06-16. Review status: criteria provided, single submitter. Criteria: ACMG Guidelines, 2015. Collection method: clinical testing. Allele origin: germline.